The following is an entry in ClinVar:

ClinVar aggregate classification (germline): Uncertain significance (1 of 4 stars; one submission).

Allele frequency attached by ClinVar (database versions not stated): ExAC 0.00016; 1000 Genomes Project 0.00020; 1000 Genomes Project 30x 0.00031; ESP Exome Variant Server 0.00031; TOPMed 0.00055.
gnomAD v4.1: 330 of 1,612,550 alleles (0.02%); highest among the groups gnomAD compares: African/African-American, 0.1%; 1 homozygote.

Submission:

Labcorp Genetics (formerly Invitae), Labcorp
Classification: Uncertain significance. Last evaluated: 2025-11-25. Review status: criteria provided, single submitter. Criteria: Invitae Variant Classification Sherloc (09022015). Collection method: clinical testing. Allele origin: germline.
Comment: This sequence change replaces proline, which is neutral and non-polar, with leucine, which is neutral and non-polar, at codon 305 of the A4GALT protein (p.Pro305Leu). This variant is present in population databases (rs138153636, gnomAD 0.1%), and has an allele count higher than expected for a pathogenic variant. This variant has not been reported in the literature in individuals affected with A4GALT-related conditions. ClinVar contains an entry for this variant (Variation ID: 2171164). An algorithm developed to predict the effect of missense changes on protein structure and function (PolyPhen-2) suggests that this variant is likely to be tolerated. In summary, the available evidence is currently insufficient to determine the role of this variant in disease. Therefore, it has been classified as a Variant of Uncertain Significance.

NM_017436.7(A4GALT):c.914C>T (p.Pro305Leu)

Gene: A4GALT (alpha 1,4-galactosyltransferase (P1PK blood group); minus strand). Cytogenetic location: 22q13.2.
Variant type: single nucleotide variant.
Coding change: c.914C>T on transcript NM_017436.7 (MANE Select); coding-DNA position 914, C replaced by T.
Protein change: p.Pro305Leu; replaces proline 305 with leucine.
Molecular consequence: missense variant.
Genome position (GRCh38, 1-based): chr22:42,693,038, G>A on the plus strand (C>T on the coding strand, the complement: A4GALT is on the minus strand). VCF-style: chr22-42693038-G-A. GRCh37 (hg19) VCF-style: chr22-43089044-G-A.
Other names: c.914C>T, p.Pro305Leu (NM_001318038.3); short protein forms P305L.
Identifiers: ClinVar variation 2171164 (VCV002171164.4), dbSNP rs138153636, ClinGen allele CA10270185.